The following is an entry in ClinVar:

NM_020884.7(MYH7B):c.4699C>T (p.Arg1567Trp)

Gene: MYH7B (myosin heavy chain 7B; plus strand). Cytogenetic location: 20q11.22.
Variant type: single nucleotide variant.
Coding change: c.4699C>T on transcript NM_020884.7 (MANE Select); coding-DNA position 4699, C replaced by T.
Protein change: p.Arg1567Trp; replaces arginine 1567 with tryptophan.
Molecular consequence: missense variant.
Genome position (GRCh38, 1-based): chr20:34,999,824, C>T. VCF-style: chr20-34999824-C-T. GRCh37 (hg19) VCF-style: chr20-33587627-C-T.
Other names: short protein forms R1567W.
Identifiers: ClinVar variation 1961574 (VCV001961574.5), dbSNP rs755056210, ClinGen allele CA9828286.

ClinVar aggregate classification (germline): Uncertain significance (1 of 4 stars; one submission).

Allele frequency attached by ClinVar (database versions not stated): ExAC 0.00002; TOPMed 0.00002; gnomAD 0.00003.

Submission:

Labcorp Genetics (formerly Invitae), Labcorp
Classification: Uncertain significance. Last evaluated: 2022-07-11. Review status: criteria provided, single submitter. Criteria: Invitae Variant Classification Sherloc (09022015). Collection method: clinical testing. Allele origin: germline.
Comment: In summary, the available evidence is currently insufficient to determine the role of this variant in disease. Therefore, it has been classified as a Variant of Uncertain Significance. Algorithms developed to predict the effect of missense changes on protein structure and function (SIFT, PolyPhen-2, Align-GVGD) all suggest that this variant is likely to be disruptive. This variant has not been reported in the literature in individuals affected with MYH7B-related conditions. The frequency data for this variant in the population databases is considered unreliable, as metrics indicate poor data quality at this position in the gnomAD database. This sequence change replaces arginine, which is basic and polar, with tryptophan, which is neutral and slightly polar, at codon 1609 of the MYH7B protein (p.Arg1609Trp).